The following is an entry in ClinVar:

ClinVar aggregate classification (germline): Uncertain significance (1 of 4 stars; one submission).

Conditions:
Multiple endocrine neoplasia, type 1 (MEN1). Also called: MEN I; WERMER SYNDROME; Endocrine adenomatosis multiple; MEN 1; MEA I. Identifiers: Orphanet 652, MedGen C0025267, MeSH D018761, MONDO:0007540, OMIM 131100.

gnomAD v4.1: 1 of 1,594,574 alleles (0.000063%); highest among the groups gnomAD compares: South Asian, 0.0011%; no homozygotes.

Submission:

Labcorp Genetics (formerly Invitae), Labcorp
Classification: Uncertain significance for Multiple endocrine neoplasia, type 1. Last evaluated: 2025-06-22. Review status: criteria provided, single submitter. Criteria: Invitae Variant Classification Sherloc (09022015). Collection method: clinical testing. Allele origin: germline.
Comment: This sequence change replaces proline, which is neutral and non-polar, with arginine, which is basic and polar, at codon 493 of the MEN1 protein (p.Pro493Arg). This variant is not present in population databases (gnomAD no frequency). This variant has not been reported in the literature in individuals affected with MEN1-related conditions. Invitae Evidence Modeling of protein sequence and biophysical properties (such as structural, functional, and spatial information, amino acid conservation, physicochemical variation, residue mobility, and thermodynamic stability) has been performed for this missense variant. However, the output from this modeling did not meet the statistical confidence thresholds required to predict the impact of this variant on MEN1 protein function. In summary, the available evidence is currently insufficient to determine the role of this variant in disease. Therefore, it has been classified as a Variant of Uncertain Significance.

NM_001370259.2(MEN1):c.1478C>G (p.Pro493Arg)

Gene: MEN1 (menin 1; minus strand). Cytogenetic location: 11q13.1.
Variant type: single nucleotide variant.
Coding change: c.1478C>G on transcript NM_001370259.2 (MANE Select); coding-DNA position 1478, C replaced by G.
Protein change: p.Pro493Arg; replaces proline 493 with arginine.
Molecular consequence: missense variant. On other transcripts: non-coding transcript variant (4).
Genome position (GRCh38, 1-based): chr11:64,804,689, G>C on the plus strand (C>G on the coding strand, the complement: MEN1 is on the minus strand). VCF-style: chr11-64804689-G-C. GRCh37 (hg19) VCF-style: chr11-64572161-G-C.
Other names: c.1478C>G, p.Pro493Arg (NM_001370260.2, NM_001370261.2, NM_001407146.1 and 2 more transcripts); c.1373C>G, p.Pro458Arg (NM_001370262.2, NM_001370263.2, NM_001407148.1 and 1 more transcripts); c.1604C>G, p.Pro535Arg (NM_001407142.1, NM_001407143.1, NM_001407144.1 and 1 more transcripts); c.1493C>G, p.Pro498Arg (NM_001407145.1, NM_130802.3, NM_130803.3 and 4 more transcripts); c.1619C>G, p.Pro540Arg (NM_001407150.1); c.1499C>G, p.Pro500Arg (NM_001407151.1); c.1313C>G, p.Pro438Arg (NM_001407152.1); short protein forms P500R, P535R, P493R, P438R, P458R, P540R, P498R.
Identifiers: ClinVar variation 4779057 (VCV004779057.1).
Genomic context (GRCh38, chr11:64,804,689, plus strand): 5'-CCTGACACTGCACCCTGGCCGGTGCCCAGGCCCTTGTCCAGTGCTGGCTTCTTGGGCGGC[G>C]GGGGCTCCTCTGGCTTGGACTCCCGCCGTGGGCCCCGCCGCCGGCCTTCCCGGGCTTCCT-3'
Protein context (NP_001357188.2, residues 483-503): PRRESKPEEP[Pro493Arg]PPKKPALDKG